The following is an entry in ClinVar:

ClinVar aggregate classification (germline): Uncertain significance (1 of 4 stars; one submission).

Allele frequency attached by ClinVar (database versions not stated): TOPMed below 0.00001.
gnomAD v4.1: 22 of 1,611,856 alleles (0.0014%); highest among the groups gnomAD compares: Non-Finnish European, 0.0017%; no homozygotes.

Submission:

Labcorp Genetics (formerly Invitae), Labcorp
Classification: Uncertain significance. Last evaluated: 2022-10-25. Review status: criteria provided, single submitter. Criteria: Invitae Variant Classification Sherloc (09022015). Collection method: clinical testing. Allele origin: germline.
Comment: This sequence change falls in intron 10 of the SLC12A3 gene. It does not directly change the encoded amino acid sequence of the SLC12A3 protein. It affects a nucleotide within the consensus splice site. This variant is present in population databases (no rsID available, gnomAD 0.007%). This variant has not been reported in the literature in individuals affected with SLC12A3-related conditions. Variants that disrupt the consensus splice site are a relatively common cause of aberrant splicing (PMID: 17576681, 9536098). Algorithms developed to predict the effect of sequence changes on RNA splicing suggest that this variant may disrupt the consensus splice site. In summary, the available evidence is currently insufficient to determine the role of this variant in disease. Therefore, it has been classified as a Variant of Uncertain Significance.

Literature cited by the submitters: PubMed 17576681; PubMed 9536098.

NM_001126108.2(SLC12A3):c.1336-3C>T

Gene: SLC12A3 (solute carrier family 12 member 3; plus strand). Cytogenetic location: 16q13.
Variant type: single nucleotide variant.
Coding change: c.1336-3C>T on transcript NM_001126108.2 (MANE Select); 3 bases into the intron before coding-DNA position 1336, C replaced by T.
Molecular consequence: intron variant.
Genome position (GRCh38, 1-based): chr16:56,879,539, C>T. VCF-style: chr16-56879539-C-T. GRCh37 (hg19) VCF-style: chr16-56913451-C-T.
Other names: c.1336-3C>T (NM_000339.3); c.1333-3C>T (NM_001126107.2).
Identifiers: ClinVar variation 2183745 (VCV002183745.1), dbSNP rs1295643797, ClinGen allele CA495603767.